The following is an entry in ClinVar:

NM_001038603.3(MARVELD2):c.1109C>T (p.Ala370Val)

Gene: MARVELD2 (MARVEL domain containing 2; plus strand). Cytogenetic location: 5q13.2.
Variant type: single nucleotide variant.
Coding change: c.1109C>T on transcript NM_001038603.3 (MANE Select); coding-DNA position 1109, C replaced by T.
Protein change: p.Ala370Val; replaces alanine 370 with valine.
Molecular consequence: missense variant.
Genome position (GRCh38, 1-based): chr5:69,420,494, C>T. VCF-style: chr5-69420494-C-T. GRCh37 (hg19) VCF-style: chr5-68716321-C-T.
Other names: NC_000005.9:g.68716321C>T; c.1109C>T, p.Ala370Val (NM_001244734.2); short protein forms A370V.
Identifiers: ClinVar variation 1800879 (VCV001800879.3), dbSNP rs567232523, ClinGen allele CA3294167.
Genomic context (GRCh38, chr5:69,420,494, plus strand): 5'-TCACCATGATAGTTTATCTCATTAGTGCTTTGGTTTGCCTAAAGTTATGGAGGCATGAGG[C>T]AGCTCGGAGACATAGAGAATATATGGAACAACAGGAGGTAAGTGATTTCATAATCCCTCA-3'
Protein context (NP_001033692.2, residues 360-380): LVCLKLWRHE[Ala370Val]ARRHREYMEQ

ClinVar aggregate classification (germline): Uncertain significance (1 of 4 stars; one submission).

Allele frequency attached by ClinVar (database versions not stated): gnomAD exomes 0.00001; TOPMed 0.00002; gnomAD 0.00004; ExAC 0.00005; 1000 Genomes Project 30x 0.00031; 1000 Genomes Project 0.00040.
gnomAD v4.1: 20 of 1,612,910 alleles (0.0012%); highest among the groups gnomAD compares: East Asian, 0.045%; no homozygotes.

Submissions (2):

GeneDx
Classification: Uncertain significance. Last evaluated: 2025-09-10. Review status: criteria provided, single submitter. Criteria: GeneDx Variant Classification Process June 2021. Collection method: clinical testing. Allele origin: germline.
Comment: Reported in an individual with hearing loss in published literature; information is limited (PMID: 30406641); In silico analysis suggests that this missense variant does not alter protein structure/function; This variant is associated with the following publications: (PMID: 30406641)

Dr. Peter K. Rogan Lab, Western University
No classification provided (evidence only). Condition: Gastric cancer. Review status: no classification provided. Collection method: in vitro. Allele origin: not applicable. Functional consequence: retained intron. Not counted in ClinVar's aggregate classification.